The following is an entry in ClinVar:

ClinVar aggregate classification (germline): Uncertain significance (1 of 4 stars; one submission).

Submission:

Ambry Genetics
Classification: Uncertain significance. Last evaluated: 2026-06-24. Review status: criteria provided, single submitter. Criteria: Ambry Variant Classification Scheme 2023. Collection method: clinical testing. Allele origin: germline.
Comment: The c.1489T>C (p.Y497H) alteration is located in exon 1 (coding exon 1) of the KLHL34 gene. This alteration results from a T to C substitution at nucleotide position 1489, causing the tyrosine (Y) at amino acid position 497 to be replaced by a histidine (H). Based on data from gnomAD, the C allele has an overall frequency of 0.002% (4/179711) total alleles studied. The highest observed frequency was 0.012% (2/16359) of South Asian alleles. Based on insufficient or conflicting evidence, the clinical significance of this alteration remains unclear.

NM_153270.3(KLHL34):c.1489T>C (p.Tyr497His)

Gene: KLHL34 (kelch like family member 34; minus strand). Cytogenetic location: Xp22.12.
Variant type: single nucleotide variant.
Coding change: c.1489T>C on transcript NM_153270.3 (MANE Select); coding-DNA position 1489, T replaced by C.
Protein change: p.Tyr497His; replaces tyrosine 497 with histidine.
Molecular consequence: missense variant.
Genome position (GRCh38, 1-based): chrX:21,656,300, A>G on the plus strand (T>C on the coding strand, the complement: KLHL34 is on the minus strand). VCF-style: chrX-21656300-A-G. GRCh37 (hg19) VCF-style: chrX-21674418-A-G.
Other names: short protein forms Y497H.
Identifiers: ClinVar variation 5023357 (VCV005023357.1).